The following is an entry in ClinVar:

NM_006254.4(PRKCD):c.1260+123dup

Gene: PRKCD (protein kinase C delta; plus strand). Cytogenetic location: 3p21.1.
Variant type: Duplication.
Coding change: c.1260+123dup on transcript NM_006254.4 (MANE Select); 123 bases into the intron after coding-DNA position 1260, one base duplicated (C; older notation c.1260+123dupC).
Molecular consequence: intron variant.
Genome position (GRCh38, 1-based): chr3:53,186,463, C duplicated; the last of 6 consecutive C bases (chr3:53,186,458-53,186,463); duplicating any one gives the same sequence. VCF-style (leftmost placement, unchanged base first): chr3-53186457-T-TC. GRCh37 (hg19) VCF-style: chr3-53220473-T-TC.
Other names: c.1260+123dup (NM_001354680.2, NM_001354679.2, NM_212539.2 and 1 more transcripts); c.1317+123dup (NM_001354676.2); c.1308+123dup (NM_001354678.2).
Identifiers: ClinVar variation 1252907 (VCV001252907.4), dbSNP rs34435761, ClinGen allele CA74814480.

ClinVar aggregate classification (germline): Benign. Review status: criteria provided, multiple submitters, no conflicts (2 of 4 stars). 2 submissions from 2 submitters: Benign (2). Last evaluated 2023-11-14.

Submissions (2):

Unidad de Genómica Garrahan, Hospital de Pediatría Garrahan
Classification: Benign. Last evaluated: 2023-11-14. Review status: criteria provided, single submitter. Criteria: ACMG Guidelines, 2015. Collection method: clinical testing. Allele origin: germline. Affected: no. Observed: 68 variant alleles.
Comment: This variant is classified as Benign based on local population frequency. This variant was detected in 71% of patients studied by a panel of primary immunodeficiencies. Number of patients: 68. Only high quality variants are reported.

GeneDx
Classification: Benign. Last evaluated: 2021-05-17. Review status: criteria provided, single submitter. Criteria: GeneDx Variant Classification Process June 2021. Collection method: clinical testing. Allele origin: germline. Affected: yes.